The following is an entry in ClinVar:

NM_016818.3(ABCG1):c.993C>T (p.Gly331=)

Gene: ABCG1 (ATP binding cassette subfamily G member 1; plus strand). Cytogenetic location: 21q22.3.
Variant type: single nucleotide variant.
Coding change: c.993C>T on transcript NM_016818.3 (MANE Select); coding-DNA position 993, C replaced by T.
Protein change: p.Gly331=; no amino-acid change (glycine 331 retained).
Molecular consequence: synonymous variant.
Genome position (GRCh38, 1-based): chr21:42,287,908, C>T. VCF-style: chr21-42287908-C-T. GRCh37 (hg19) VCF-style: chr21-43708018-C-T.
Other names: NC_000021.8:g.43708018C>T; c.993C>T, p.Gly331= (NM_004915.4); c.1026C>T, p.Gly342= (NM_207174.1); c.999C>T, p.Gly333= (NM_207627.2); c.927C>T, p.Gly309= (NM_207628.1); c.984C>T, p.Gly328= (NM_207629.2).
Identifiers: ClinVar variation 3037791 (VCV003037791.3), dbSNP rs56140811, ClinGen allele CA10041255.

ClinVar aggregate classification (germline): Benign (0 of 4 stars; one submission).

Conditions:
ABCG1-related disorder. Also called: ABCG1-related condition.

Allele frequency attached by ClinVar (database versions not stated): 1000 Genomes Project 30x 0.01093; 1000 Genomes Project 0.01098; ESP Exome Variant Server 0.02391; TOPMed 0.01910; gnomAD 0.02149; ExAC 0.02289.
gnomAD v4.1: 47,929 of 1,596,190 alleles (3%); highest among the groups gnomAD compares: Non-Finnish European, 3.5%; 864 homozygotes.

Submissions 1 to 33 of 56:

PreventionGenetics, part of Exact Sciences
Classification: Benign for ABCG1-related condition. Last evaluated: 2019-10-28. Review status: no assertion criteria provided. Collection method: clinical testing. Allele origin: germline.
Comment: This variant is classified as benign based on ACMG/AMP sequence variant interpretation guidelines (Richards et al. 2015 PMID: 25741868, with internal and published modifications).

Dr. Peter K. Rogan Lab, Western University
No classification provided (evidence only). Condition: Lung cancer. Review status: no classification provided. Collection method: in vitro. Allele origin: not applicable. Functional consequence: skipped exon, retained intron. Not counted in ClinVar's aggregate classification.

Dr. Peter K. Rogan Lab, Western University
No classification provided (evidence only). Condition: Lung cancer. Review status: no classification provided. Collection method: in vitro. Allele origin: not applicable. Functional consequence: skipped exon. Not counted in ClinVar's aggregate classification.

Dr. Peter K. Rogan Lab, Western University
No classification provided (evidence only). Condition: Lung cancer. Review status: no classification provided. Collection method: in vitro. Allele origin: not applicable. Functional consequence: retained intron. Not counted in ClinVar's aggregate classification.

Dr. Peter K. Rogan Lab, Western University
No classification provided (evidence only). Condition: Lung cancer. Review status: no classification provided. Collection method: in vitro. Allele origin: not applicable. Functional consequence: retained intron. Not counted in ClinVar's aggregate classification.

Dr. Peter K. Rogan Lab, Western University
No classification provided (evidence only). Condition: Lung cancer. Review status: no classification provided. Collection method: in vitro. Allele origin: not applicable. Functional consequence: skipped exon. Not counted in ClinVar's aggregate classification.

Dr. Peter K. Rogan Lab, Western University
No classification provided (evidence only). Condition: Lung cancer. Review status: no classification provided. Collection method: in vitro. Allele origin: not applicable. Functional consequence: skipped exon. Not counted in ClinVar's aggregate classification.

Dr. Peter K. Rogan Lab, Western University
No classification provided (evidence only). Condition: Lung cancer. Review status: no classification provided. Collection method: in vitro. Allele origin: not applicable. Functional consequence: skipped exon, retained intron. Not counted in ClinVar's aggregate classification.

Dr. Peter K. Rogan Lab, Western University
No classification provided (evidence only). Condition: Lung cancer. Review status: no classification provided. Collection method: in vitro. Allele origin: not applicable. Functional consequence: skipped exon, retained intron. Not counted in ClinVar's aggregate classification.

Dr. Peter K. Rogan Lab, Western University
No classification provided (evidence only). Condition: Melanoma. Review status: no classification provided. Collection method: in vitro. Allele origin: not applicable. Functional consequence: retained intron. Not counted in ClinVar's aggregate classification.

Dr. Peter K. Rogan Lab, Western University
No classification provided (evidence only). Condition: Melanoma. Review status: no classification provided. Collection method: in vitro. Allele origin: not applicable. Functional consequence: skipped exon. Not counted in ClinVar's aggregate classification.

Dr. Peter K. Rogan Lab, Western University
No classification provided (evidence only). Condition: Melanoma. Review status: no classification provided. Collection method: in vitro. Allele origin: not applicable. Functional consequence: retained intron. Not counted in ClinVar's aggregate classification.

Dr. Peter K. Rogan Lab, Western University
No classification provided (evidence only). Condition: Melanoma. Review status: no classification provided. Collection method: in vitro. Allele origin: not applicable. Functional consequence: skipped exon, retained intron. Not counted in ClinVar's aggregate classification.

Dr. Peter K. Rogan Lab, Western University
No classification provided (evidence only). Condition: Melanoma. Review status: no classification provided. Collection method: in vitro. Allele origin: not applicable. Functional consequence: retained intron. Not counted in ClinVar's aggregate classification.

Dr. Peter K. Rogan Lab, Western University
No classification provided (evidence only). Condition: Melanoma. Review status: no classification provided. Collection method: in vitro. Allele origin: not applicable. Functional consequence: retained intron. Not counted in ClinVar's aggregate classification.

Dr. Peter K. Rogan Lab, Western University
No classification provided (evidence only). Condition: Acute myeloid leukemia. Review status: no classification provided. Collection method: in vitro. Allele origin: not applicable. Functional consequence: retained intron. Not counted in ClinVar's aggregate classification.

Dr. Peter K. Rogan Lab, Western University
No classification provided (evidence only). Condition: Acute myeloid leukemia. Review status: no classification provided. Collection method: in vitro. Allele origin: not applicable. Functional consequence: skipped exon. Not counted in ClinVar's aggregate classification.

Dr. Peter K. Rogan Lab, Western University
No classification provided (evidence only). Condition: Acute myeloid leukemia. Review status: no classification provided. Collection method: in vitro. Allele origin: not applicable. Functional consequence: skipped exon. Not counted in ClinVar's aggregate classification.

Dr. Peter K. Rogan Lab, Western University
No classification provided (evidence only). Condition: Acute myeloid leukemia. Review status: no classification provided. Collection method: in vitro. Allele origin: not applicable. Functional consequence: skipped exon. Not counted in ClinVar's aggregate classification.

Dr. Peter K. Rogan Lab, Western University
No classification provided (evidence only). Condition: Acute myeloid leukemia. Review status: no classification provided. Collection method: in vitro. Allele origin: not applicable. Functional consequence: skipped exon, retained intron. Not counted in ClinVar's aggregate classification.

Dr. Peter K. Rogan Lab, Western University
No classification provided (evidence only). Condition: Colon adenocarcinoma. Review status: no classification provided. Collection method: in vitro. Allele origin: not applicable. Functional consequence: skipped exon. Not counted in ClinVar's aggregate classification.

Dr. Peter K. Rogan Lab, Western University
No classification provided (evidence only). Condition: Colon adenocarcinoma. Review status: no classification provided. Collection method: in vitro. Allele origin: not applicable. Functional consequence: skipped exon. Not counted in ClinVar's aggregate classification.

Dr. Peter K. Rogan Lab, Western University
No classification provided (evidence only). Condition: Colon adenocarcinoma. Review status: no classification provided. Collection method: in vitro. Allele origin: not applicable. Functional consequence: skipped exon. Not counted in ClinVar's aggregate classification.

Dr. Peter K. Rogan Lab, Western University
No classification provided (evidence only). Condition: Colon adenocarcinoma. Review status: no classification provided. Collection method: in vitro. Allele origin: not applicable. Functional consequence: skipped exon. Not counted in ClinVar's aggregate classification.

Dr. Peter K. Rogan Lab, Western University
No classification provided (evidence only). Condition: Colon adenocarcinoma. Review status: no classification provided. Collection method: in vitro. Allele origin: not applicable. Functional consequence: retained intron. Not counted in ClinVar's aggregate classification.

Dr. Peter K. Rogan Lab, Western University
No classification provided (evidence only). Condition: Colon adenocarcinoma. Review status: no classification provided. Collection method: in vitro. Allele origin: not applicable. Functional consequence: retained intron. Not counted in ClinVar's aggregate classification.

Dr. Peter K. Rogan Lab, Western University
No classification provided (evidence only). Condition: Colon adenocarcinoma. Review status: no classification provided. Collection method: in vitro. Allele origin: not applicable. Functional consequence: retained intron. Not counted in ClinVar's aggregate classification.

Dr. Peter K. Rogan Lab, Western University
No classification provided (evidence only). Condition: Colon adenocarcinoma. Review status: no classification provided. Collection method: in vitro. Allele origin: not applicable. Functional consequence: retained intron. Not counted in ClinVar's aggregate classification.

Dr. Peter K. Rogan Lab, Western University
No classification provided (evidence only). Condition: Colorectal cancer. Review status: no classification provided. Collection method: in vitro. Allele origin: not applicable. Functional consequence: skipped exon. Not counted in ClinVar's aggregate classification.

Dr. Peter K. Rogan Lab, Western University
No classification provided (evidence only). Condition: Uterine corpus endometrial carcinoma. Review status: no classification provided. Collection method: in vitro. Allele origin: not applicable. Functional consequence: retained intron. Not counted in ClinVar's aggregate classification.

Dr. Peter K. Rogan Lab, Western University
No classification provided (evidence only). Condition: Uterine corpus endometrial carcinoma. Review status: no classification provided. Collection method: in vitro. Allele origin: not applicable. Functional consequence: retained intron. Not counted in ClinVar's aggregate classification.

Dr. Peter K. Rogan Lab, Western University
No classification provided (evidence only). Condition: Cervical cancer. Review status: no classification provided. Collection method: in vitro. Allele origin: not applicable. Functional consequence: retained intron. Not counted in ClinVar's aggregate classification.

Dr. Peter K. Rogan Lab, Western University
No classification provided (evidence only). Condition: Cervical cancer. Review status: no classification provided. Collection method: in vitro. Allele origin: not applicable. Functional consequence: skipped exon. Not counted in ClinVar's aggregate classification.